The following is an entry in ClinVar:

ClinVar aggregate classification (germline): Uncertain significance. Review status: criteria provided, multiple submitters, no conflicts (2 of 4 stars). 2 submissions from 2 submitters: Uncertain significance (2). Last evaluated 2026-04-19.

Conditions:
Cohen syndrome (COH1). Also called: Cutis verticis gyrata, retinitis pigmentosa, and sensorineural deafness; PEPPER SYNDROME. Identifiers: Orphanet 193, MedGen C0265223, MONDO:0008999, OMIM 216550.
VPS13B-related disorder. Also called: VPS13B-related condition.

Allele frequency attached by ClinVar (database versions not stated): gnomAD exomes below 0.00001.
gnomAD v4.1: 1 of 1,614,054 alleles (0.000062%); highest among the groups gnomAD compares: Non-Finnish European, 0.000085%; no homozygotes.

Submissions (2):

PreventionGenetics, part of Exact Sciences
Classification: Uncertain significance for VPS13B-related condition. Last evaluated: 2026-04-19. Review status: criteria provided, single submitter. Criteria: ACMG Guidelines, 2015. Collection method: clinical testing. Allele origin: germline.
Comment: The VPS13B c.1726A>G variant is predicted to result in the amino acid substitution p.Ser576Gly. To our knowledge, this variant has not been reported in the literature or in a large population database (gnomAD), indicating this variant is rare. At this time, the clinical significance of this variant is uncertain due to the absence of conclusive functional and genetic evidence.

Labcorp Genetics (formerly Invitae), Labcorp
Classification: Uncertain significance for Cohen syndrome. Last evaluated: 2021-09-01. Review status: criteria provided, single submitter. Criteria: Invitae Variant Classification Sherloc (09022015). Collection method: clinical testing. Allele origin: germline.

NM_152564.5(VPS13B):c.1726A>G (p.Ser576Gly)

Gene: VPS13B (vacuolar protein sorting 13 homolog B; plus strand). Cytogenetic location: 8q22.2.
Variant type: single nucleotide variant.
Coding change: c.1726A>G on transcript NM_152564.5 (MANE Select); coding-DNA position 1726, A replaced by G.
Protein change: p.Ser576Gly; replaces serine 576 with glycine.
Molecular consequence: missense variant.
Genome position (GRCh38, 1-based): chr8:99,143,048, A>G. VCF-style: chr8-99143048-A-G. GRCh37 (hg19) VCF-style: chr8-100155276-A-G.
Other names: c.1726A>G, p.Ser576Gly (NM_015243.3, NM_017890.5); c.1726A>G (NM_152564.4); short protein forms S576G.
Identifiers: ClinVar variation 1511020 (VCV001511020.4), dbSNP rs2132581169, ClinGen allele CA371863948.